The following is an entry in ClinVar:

ClinVar aggregate classification (germline): Uncertain significance (1 of 4 stars; one submission).

Submission:

Labcorp Genetics (formerly Invitae), Labcorp
Classification: Uncertain significance. Last evaluated: 2024-08-12. Review status: criteria provided, single submitter. Criteria: Invitae Variant Classification Sherloc (09022015). Collection method: clinical testing. Allele origin: germline.
Comment: This sequence change affects codon 143 of the ADIPOR1 mRNA. It is a 'silent' change, meaning that it does not change the encoded amino acid sequence of the ADIPOR1 protein. It affects a nucleotide within the consensus splice site. This variant is present in population databases (no rsID available, gnomAD 0.0009%). This variant has not been reported in the literature in individuals affected with ADIPOR1-related conditions. Algorithms developed to predict the effect of sequence changes on RNA splicing suggest that this variant is not likely to affect RNA splicing. In summary, the available evidence is currently insufficient to determine the role of this variant in disease. Therefore, it has been classified as a Variant of Uncertain Significance.

NM_015999.6(ADIPOR1):c.429T>A (p.Leu143=)

Gene: ADIPOR1 (adiponectin receptor 1; minus strand). Cytogenetic location: 1q32.1.
Variant type: single nucleotide variant.
Coding change: c.429T>A on transcript NM_015999.6 (MANE Select); coding-DNA position 429, T replaced by A.
Protein change: p.Leu143=; no amino-acid change (leucine 143 retained).
Molecular consequence: synonymous variant.
Genome position (GRCh38, 1-based): chr1:202,946,440, A>T on the plus strand (T>A on the coding strand, the complement: ADIPOR1 is on the minus strand). VCF-style: chr1-202946440-A-T. GRCh37 (hg19) VCF-style: chr1-202915568-A-T.
Other names: c.429T>A, p.Leu143= (NM_001290553.2, NM_001290557.1, NM_001290629.1).
Identifiers: ClinVar variation 3657670 (VCV003657670.2).
Genomic context (GRCh38, chr1:202,946,440, plus strand): 5'-TAATCCCTTCGCAGTTAGGGAGACAACAAATTCCACCTTTCCCCATCCAAATCACTCACC[A>T]AGCAGATGGGTCCAGATGTTGCCAGTTTCTGTATGAATGCGGAAGATGCTCTTGAAGCAA-3'
Protein context (NP_057083.2, residues 133-153): TETGNIWTHL[Leu143=]GFVLFLFLGI